The following is an entry in ClinVar:

NM_002755.4(MAP2K1):c.896-7T>C

Gene: MAP2K1 (mitogen-activated protein kinase kinase 1; plus strand). Cytogenetic location: 15q22.31.
Variant type: single nucleotide variant.
Coding change: c.896-7T>C on transcript NM_002755.4 (MANE Select); 7 bases into the intron before coding-DNA position 896, T replaced by C.
Molecular consequence: intron variant.
Genome position (GRCh38, 1-based): chr15:66,487,221, T>C. VCF-style: chr15-66487221-T-C. GRCh37 (hg19) VCF-style: chr15-66779559-T-C.
Identifiers: ClinVar variation 372733 (VCV000372733.12), dbSNP rs772786705, ClinGen allele CA7624045.

ClinVar aggregate classification (germline): Conflicting classifications of pathogenicity. Review status: criteria provided, conflicting classifications (1 of 4 stars). 3 submissions from 3 submitters: Uncertain significance (1); Likely benign (2). Last evaluated 2025-11-17.

Conditions:
RASopathy. Also called: rasopathies; Noonan spectrum disorder. Identifiers: Orphanet 536391, MedGen C5555857, MONDO:0021060.

Allele frequency attached by ClinVar (database versions not stated): gnomAD 0.00001; gnomAD exomes 0.00001 and 0.00003; TOPMed 0.00001; ExAC 0.00002.
gnomAD v4.1: 17 of 1,613,358 alleles (0.0011%); highest among the groups gnomAD compares: Non-Finnish European, 0.00025%; no homozygotes.

Submissions (3):

Labcorp Genetics (formerly Invitae), Labcorp
Classification: Likely benign for RASopathy. Last evaluated: 2025-11-17. Review status: criteria provided, single submitter. Criteria: Invitae Variant Classification Sherloc (09022015). Collection method: clinical testing. Allele origin: germline.

Women's Health and Genetics/Laboratory Corporation of America, LabCorp
Classification: Likely benign. Last evaluated: 2025-04-23. Review status: criteria provided, single submitter. Criteria: LabCorp Variant Classification Summary - May 2015. Collection method: clinical testing. Allele origin: germline.

GeneDx
Classification: Uncertain significance. Last evaluated: 2015-11-19. Review status: criteria provided, single submitter. Criteria: GeneDx Variant Classification (06012015). Collection method: clinical testing. Allele origin: germline. Affected: yes.
Comment: The c.896-7 T>C variant has not been published as a pathogenic variant, nor has it been reported as a benign variant to our knowledge. The c.896-7 T>C variant was not observed in approximately 6,500 individuals of European and African American ancestry in the NHLBI Exome Sequencing Project, indicating it is not a common benign variant in these populations. In silico splice prediction algorithms predict that the c.896-7 T>C variant may destroy the natural splice acceptor site in intron 7 and may cause abnormal gene splicing. However, no other splice site variants in the MAP2K1 gene have been reported in HGMD in association with cardiomyopathy (Stenson et al., 2014).Therefore, based on the currently available information, it is unclear whether this variant is a pathogenic variant or a rare benign variant.